The following is an entry in ClinVar:

ClinVar aggregate classification (germline): Uncertain significance (1 of 4 stars; one submission).

Conditions:
Familial thoracic aortic aneurysm and aortic dissection (TAAD). Also called: Thoracic aortic aneurysms and dissections. Identifiers: Orphanet 91387, MedGen C4707243, MONDO:0019625.

Submission:

Color Diagnostics, LLC DBA Color Health
Classification: Uncertain significance for Familial thoracic aortic aneurysm and aortic dissection. Last evaluated: 2023-12-05. Review status: criteria provided, single submitter. Criteria: ACMG Guidelines, 2015. Collection method: clinical testing. Allele origin: germline.
Comment: Variant of Uncertain Significance due to insufficient evidence: This missense variant is located in the calcium-binding EGF-like motif 10 of the FBN1 protein. Computational prediction tools and conservation analyses suggest that this variant may have deleterious impact on the protein function. Computational splicing tools suggest that this variant may not impact RNA splicing. To our knowledge, functional assays have not been performed for this variant nor has this variant been reported in individuals affected with cardiovascular disorders in the literature. This variant is rare in the general population and has been identified in 0/277264 chromosomes by the Genome Aggregation Database (gnomAD). Available evidence is insufficient to determine the pathogenicity of this variant conclusively.

NM_000138.5(FBN1):c.1898G>C (p.Gly633Ala)

Gene: FBN1 (fibrillin 1; minus strand). Cytogenetic location: 15q21.1.
Variant type: single nucleotide variant.
Coding change: c.1898G>C on transcript NM_000138.5 (MANE Select); coding-DNA position 1898, G replaced by C.
Protein change: p.Gly633Ala; replaces glycine 633 with alanine.
Molecular consequence: missense variant.
Genome position (GRCh38, 1-based): chr15:48,505,087, C>G on the plus strand (G>C on the coding strand, the complement: FBN1 is on the minus strand). VCF-style: chr15-48505087-C-G. GRCh37 (hg19) VCF-style: chr15-48797284-C-G.
Other names: short protein forms G633A.
Identifiers: ClinVar variation 629651 (VCV000629651.4), dbSNP rs1566914006, ClinGen allele CA392339081.